The following is an entry in ClinVar:

NM_001042432.2(CLN3):c.907-3C>T

Gene: CLN3 (CLN3 lysosomal/endosomal transmembrane protein, battenin; minus strand). Cytogenetic location: 16p12.1.
Variant type: single nucleotide variant.
Coding change: c.907-3C>T on transcript NM_001042432.2 (MANE Select); 3 bases into the intron before coding-DNA position 907, C replaced by T.
Molecular consequence: intron variant.
Genome position (GRCh38, 1-based): chr16:28,482,385, G>A on the plus strand (C>T on the coding strand, the complement: CLN3 is on the minus strand). VCF-style: chr16-28482385-G-A. GRCh37 (hg19) VCF-style: chr16-28493706-G-A.
Other names: c.673-3C>T (NM_001286109.2); c.835-3C>T (NM_001286104.2); c.607-3C>T (NM_001286105.2); c.745-3C>T (NM_001286110.2); c.907-3C>T (NM_000086.2).
Identifiers: ClinVar variation 2026086 (VCV002026086.1), dbSNP rs764357870, ClinGen allele CA7980758.

ClinVar aggregate classification (germline): Uncertain significance (1 of 4 stars; one submission).

Conditions:
Neuronal ceroid lipofuscinosis. Also called: Neuronal Ceroid Lipofuscinoses. Identifiers: Orphanet 216, Orphanet 79263, MedGen C0027877, MONDO:0016295. Disease mechanism: loss of function.

Allele frequency attached by ClinVar (database versions not stated): gnomAD exomes below 0.00001; ExAC 0.00001; gnomAD 0.00001.
gnomAD v4.1: 3 of 1,613,856 alleles (0.00019%); highest among the groups gnomAD compares: Admixed American, 0.0017%; no homozygotes.

Submission:

Labcorp Genetics (formerly Invitae), Labcorp
Classification: Uncertain significance for Neuronal ceroid lipofuscinosis. Last evaluated: 2022-08-19. Review status: criteria provided, single submitter. Criteria: Invitae Variant Classification Sherloc (09022015). Collection method: clinical testing. Allele origin: germline.
Comment: This sequence change falls in intron 12 of the CLN3 gene. It does not directly change the encoded amino acid sequence of the CLN3 protein. It affects a nucleotide within the consensus splice site. This variant is present in population databases (rs764357870, gnomAD 0.002%). This variant has not been reported in the literature in individuals affected with CLN3-related conditions. Variants that disrupt the consensus splice site are a relatively common cause of aberrant splicing (PMID: 17576681, 9536098). Algorithms developed to predict the effect of sequence changes on RNA splicing suggest that this variant is not likely to affect RNA splicing. In summary, the available evidence is currently insufficient to determine the role of this variant in disease. Therefore, it has been classified as a Variant of Uncertain Significance.

Literature cited by the submitters: PubMed 17576681; PubMed 9536098.